The following is an entry in ClinVar:

ClinVar aggregate classification (germline): Uncertain significance. Review status: criteria provided, multiple submitters, no conflicts (2 of 4 stars). 4 submissions from 4 submitters: Uncertain significance (4). Last evaluated 2025-08-30.

Conditions:
Hereditary cancer-predisposing syndrome. Also called: Neoplastic Syndromes, Hereditary; Hereditary Cancer Syndrome; Tumor predisposition; Hereditary neoplastic syndrome. Identifiers: Orphanet 140162, MedGen C0027672, MeSH D009386, MONDO:0015356.
Ataxia-telangiectasia syndrome (AT). Also called: LOUIS-BAR SYNDROME; Cerebello-oculocutaneous telangiectasia; Immunodeficiency with ataxia telangiectasia; Ataxia-telangiectasia, complementation group D; AT, COMPLEMENTATION GROUP C; Ataxia-telangiectasia, complementation group E. Identifiers: Orphanet 100, MedGen C0004135, MONDO:0008840, OMIM 208900.

Allele frequency attached by ClinVar (database versions not stated): gnomAD exomes below 0.00001.
gnomAD v4.1: 1 of 1,612,912 alleles (0.000062%); highest among the groups gnomAD compares: Non-Finnish European, 0.000085%; no homozygotes.

Submissions (4):

Color Diagnostics, LLC DBA Color Health
Classification: Uncertain significance for Hereditary cancer-predisposing syndrome. Last evaluated: 2025-08-30. Review status: criteria provided, single submitter. Criteria: ACMG Guidelines, 2015. Collection method: clinical testing. Allele origin: germline.
Comment: This missense variant replaces leucine with phenylalanine at codon 2211 of the ATM protein. Computational prediction suggests that this variant may not impact protein structure and function. To our knowledge, functional studies have not been reported for this variant. This variant has not been reported in individuals affected with ATM-related disorders in the literature. This variant has not been identified in the general population by the Genome Aggregation Database (gnomAD). The available evidence is insufficient to determine the role of this variant in disease conclusively. Therefore, this variant is classified as a Variant of Uncertain Significance.

Ambry Genetics
Classification: Uncertain significance for Hereditary cancer-predisposing syndrome. Last evaluated: 2025-06-19. Review status: criteria provided, single submitter. Criteria: Ambry Variant Classification Scheme 2023. Collection method: clinical testing. Allele origin: germline.
Comment: The p.L2211F variant (also known as c.6631C>T), located in coding exon 45 of the ATM gene, results from a C to T substitution at nucleotide position 6631. The leucine at codon 2211 is replaced by phenylalanine, an amino acid with highly similar properties. This amino acid position is conserved. In addition, this alteration is predicted to be tolerated by in silico analysis. Based on the available evidence, the clinical significance of this variant remains unclear.

Labcorp Genetics (formerly Invitae), Labcorp
Classification: Uncertain significance for Ataxia-telangiectasia syndrome. Last evaluated: 2025-05-13. Review status: criteria provided, single submitter. Criteria: Invitae Variant Classification Sherloc (09022015). Collection method: clinical testing. Allele origin: germline.
Comment: This sequence change replaces leucine, which is neutral and non-polar, with phenylalanine, which is neutral and non-polar, at codon 2211 of the ATM protein (p.Leu2211Phe). This variant is not present in population databases (gnomAD no frequency). This variant has not been reported in the literature in individuals affected with ATM-related conditions. ClinVar contains an entry for this variant (Variation ID: 453638). Invitae Evidence Modeling of protein sequence and biophysical properties (such as structural, functional, and spatial information, amino acid conservation, physicochemical variation, residue mobility, and thermodynamic stability) indicates that this missense variant is not expected to disrupt ATM protein function with a negative predictive value of 95%. RNA analysis performed to evaluate the impact of this missense change on mRNA splicing indicates it does not significantly alter splicing (internal data). In summary, the available evidence is currently insufficient to determine the role of this variant in disease. Therefore, it has been classified as a Variant of Uncertain Significance.

CeGaT Center for Human Genetics Tuebingen
Classification: Uncertain significance. Last evaluated: 2022-07-01. Review status: criteria provided, single submitter. Criteria: CeGaT Center For Human Genetics Tuebingen Variant Classification Criteria Version 2. Collection method: clinical testing. Allele origin: germline. Affected: yes. Observed: 1 variant allele.
Comment: ATM: PM2

NM_000051.4(ATM):c.6631C>T (p.Leu2211Phe)

Genes: ATM (ATM serine/threonine kinase; plus strand), C11orf65 (chromosome 11 open reading frame 65; minus strand). Cytogenetic location: 11q22.3.
Variant type: single nucleotide variant.
Coding change: c.6631C>T on transcript NM_000051.4 (MANE Select); coding-DNA position 6631, C replaced by T.
Protein change: p.Leu2211Phe; replaces leucine 2211 with phenylalanine.
Molecular consequence: missense variant. On other transcripts: intron variant (2).
Genome position (GRCh38, 1-based): chr11:108,325,368, C>T. VCF-style: chr11-108325368-C-T. GRCh37 (hg19) VCF-style: chr11-108196095-C-T.
Other names: c.6631C>T, p.Leu2211Phe (NM_001351834.2); c.641-16297G>A (NM_001330368.2); c.*38+9852G>A (NM_001351110.2); short protein forms L2211F.
Identifiers: ClinVar variation 453638 (VCV000453638.39), dbSNP rs1555119051, ClinGen allele CA382554775.